The following is an entry in ClinVar:

NM_000540.3(RYR1):c.10338C>T (p.Ser3446=)

Gene: RYR1 (ryanodine receptor 1; plus strand). Cytogenetic location: 19q13.2.
Variant type: single nucleotide variant.
Coding change: c.10338C>T on transcript NM_000540.3 (MANE Select); coding-DNA position 10338, C replaced by T.
Protein change: p.Ser3446=; no amino-acid change (serine 3446 retained).
Molecular consequence: synonymous variant.
Genome position (GRCh38, 1-based): chr19:38,523,106, C>T. VCF-style: chr19-38523106-C-T. GRCh37 (hg19) VCF-style: chr19-39013746-C-T.
Other names: c.10338C>T, p.Ser3446= (NM_001042723.2).
Identifiers: ClinVar variation 3070366 (VCV003070366.1), dbSNP rs1971295096, ClinGen allele CA507247592.

ClinVar aggregate classification (germline): Uncertain significance (1 of 4 stars; one submission).

Conditions:
Malignant hyperthermia, susceptibility to, 1 (MHS1). Also called: RYR1-Related Malignant Hyperthermia Susceptibility; Anesthesia related hyperthermia; Malignant hyperpyrexia; Fulminating hyperpyrexia; Pharmacogenic myopathy; Malignant hyperthermia suceptibility 1. Identifiers: Orphanet 423, MedGen C2930980, MONDO:0007783, OMIM 145600.

Allele frequency attached by ClinVar (database versions not stated): TOPMed below 0.00001.
gnomAD v4.1: 1 of 1,613,432 alleles (0.000062%); no homozygotes.

Submission:

All of Us Research Program, National Institutes of Health
Classification: Uncertain significance for Malignant hyperthermia, susceptibility to, 1. Last evaluated: 2023-04-10. Review status: criteria provided, single submitter. Criteria: ACMG Guidelines, 2015. Collection method: clinical testing. Allele origin: germline. Inheritance: Autosomal dominant inheritance. Observed: 1 variant allele, 1 heterozygote.
Comment: This variant is located in the RYR1 protein. To our knowledge, functional studies have not been reported for this variant. This variant has not been reported in individuals affected with RYR1-related disorders in the literature. This variant has not been identified in the general population by the Genome Aggregation Database (gnomAD). The available evidence is insufficient to determine the role of this variant in disease conclusively. Therefore, this variant is classified as a Variant of Uncertain Significance.

This study involves interpretation of variants in research participants for the purpose of population health screening. Participant phenotype was not available at the time of variant classification. Additional details can be found in publication PMID: 35346344, PMCID: PMC8962531